The following is an entry in ClinVar:

NM_000494.4(COL17A1):c.2483C>T (p.Ala828Val)

Gene: COL17A1 (collagen type XVII alpha 1 chain; minus strand). Cytogenetic location: 10q25.1.
Variant type: single nucleotide variant.
Coding change: c.2483C>T on transcript NM_000494.4 (MANE Select); coding-DNA position 2483, C replaced by T.
Protein change: p.Ala828Val; replaces alanine 828 with valine.
Molecular consequence: missense variant.
Genome position (GRCh38, 1-based): chr10:104,043,533, G>A on the plus strand (C>T on the coding strand, the complement: COL17A1 is on the minus strand). VCF-style: chr10-104043533-G-A. GRCh37 (hg19) VCF-style: chr10-105803291-G-A.
Other names: c.2483C>T (NM_000494.3); short protein forms A828V.
Identifiers: ClinVar variation 2960783 (VCV002960783.4), dbSNP rs1012649359, ClinGen allele CA212468268.

ClinVar aggregate classification (germline): Uncertain significance. Review status: criteria provided, multiple submitters, no conflicts (2 of 4 stars). 2 submissions from 2 submitters: Uncertain significance (2). Last evaluated 2026-01-26.

Conditions:
Inborn genetic diseases. Identifiers: MedGen C0950123, MeSH D030342.

Allele frequency attached by ClinVar (database versions not stated): gnomAD exomes below 0.00001; TOPMed 0.00001; gnomAD 0.00002.
gnomAD v4.1: 8 of 1,610,692 alleles (0.0005%); highest among the groups gnomAD compares: African/African-American, 0.004%; no homozygotes.

Submissions (2):

Ambry Genetics
Classification: Uncertain significance for Inborn genetic diseases. Last evaluated: 2026-01-26. Review status: criteria provided, single submitter. Criteria: Ambry Variant Classification Scheme 2023. Collection method: clinical testing. Allele origin: germline.

Labcorp Genetics (formerly Invitae), Labcorp
Classification: Uncertain significance. Last evaluated: 2025-08-04. Review status: criteria provided, single submitter. Criteria: Invitae Variant Classification Sherloc (09022015). Collection method: clinical testing. Allele origin: germline.
Comment: This sequence change replaces alanine, which is neutral and non-polar, with valine, which is neutral and non-polar, at codon 828 of the COL17A1 protein (p.Ala828Val). This variant is present in population databases (no rsID available, gnomAD 0.007%). This variant has not been reported in the literature in individuals affected with COL17A1-related conditions. ClinVar contains an entry for this variant (Variation ID: 2960783). Invitae Evidence Modeling of protein sequence and biophysical properties (such as structural, functional, and spatial information, amino acid conservation, physicochemical variation, residue mobility, and thermodynamic stability) indicates that this missense variant is not expected to disrupt COL17A1 protein function with a negative predictive value of 80%. In summary, the available evidence is currently insufficient to determine the role of this variant in disease. Therefore, it has been classified as a Variant of Uncertain Significance.